The following is an entry in ClinVar:

NM_000254.3(MTR):c.3227C>T (p.Thr1076Met)

Gene: MTR (5-methyltetrahydrofolate-homocysteine methyltransferase; plus strand). Cytogenetic location: 1q43.
Variant type: single nucleotide variant.
Coding change: c.3227C>T on transcript NM_000254.3 (MANE Select); coding-DNA position 3227, C replaced by T.
Protein change: p.Thr1076Met; replaces threonine 1076 with methionine.
Molecular consequence: missense variant.
Genome position (GRCh38, 1-based): chr1:236,894,379, C>T. VCF-style: chr1-236894379-C-T. GRCh37 (hg19) VCF-style: chr1-237057679-C-T.
Other names: c.3074C>T, p.Thr1025Met (NM_001291939.1); c.2006C>T, p.Thr669Met (NM_001291940.2); short protein forms T1025M, T1076M, T669M.
Identifiers: ClinVar variation 664316 (VCV000664316.13), dbSNP rs144991102, ClinGen allele CA1474650.

ClinVar aggregate classification (germline): Conflicting classifications of pathogenicity. Review status: criteria provided, conflicting classifications (1 of 4 stars). 4 submissions from 4 submitters: Uncertain significance (3); Likely benign (1). Last evaluated 2025-09-10.

Conditions:
Disorders of Intracellular Cobalamin Metabolism. Identifiers: MedGen CN043592.
Methylcobalamin deficiency type cblG (HMAG). Also called: HOMOCYSTINURIA-MEGALOBLASTIC ANEMIA, cblG TYPE; HOMOCYSTINURIA-MEGALOBLASTIC ANEMIA DUE TO DEFECT IN COBALAMIN METABOLISM, cblG COMPLEMENTATION TYPE; Functional methionine synthase deficiency type cblG; HOMOCYSTINURIA-MEGALOBLASTIC ANEMIA, cblG COMPLEMENTATION TYPE. Identifiers: Orphanet 2170, Orphanet 622, MedGen C1855128, MONDO:0009609, OMIM 250940.
Inborn genetic diseases. Identifiers: MedGen C0950123, MeSH D030342.

Allele frequency attached by ClinVar (database versions not stated): ExAC 0.00012; gnomAD exomes 0.00012; gnomAD 0.00045 and 0.00048; 1000 Genomes Project 30x 0.00047; TOPMed 0.00056; 1000 Genomes Project 0.00060; ESP Exome Variant Server 0.00062.
gnomAD v4.1: 157 of 1,614,230 alleles (0.0097%); highest among the groups gnomAD compares: African/African-American, 0.17%; no homozygotes.

Submissions (4):

Labcorp Genetics (formerly Invitae), Labcorp
Classification: Likely benign for Methylcobalamin deficiency type cblG. Last evaluated: 2025-09-10. Review status: criteria provided, single submitter. Criteria: Invitae Variant Classification Sherloc (09022015). Collection method: clinical testing. Allele origin: germline.

Ambry Genetics
Classification: Uncertain significance for Inborn genetic diseases. Last evaluated: 2025-08-03. Review status: criteria provided, single submitter. Criteria: Ambry Variant Classification Scheme 2023. Collection method: clinical testing. Allele origin: germline.

GeneDx
Classification: Uncertain significance. Last evaluated: 2025-02-05. Review status: criteria provided, single submitter. Criteria: GeneDx Variant Classification Process June 2021. Collection method: clinical testing. Allele origin: germline. Affected: yes.
Comment: In silico analysis indicates that this missense variant does not alter protein structure/function; Has not been previously published as pathogenic or benign to our knowledge

Illumina Laboratory Services, Illumina
Classification: Uncertain significance for Disorders of Intracellular Cobalamin Metabolism. Last evaluated: 2018-01-13. Review status: criteria provided, single submitter. Criteria: ICSL Variant Classification Criteria 13 December 2019. Collection method: clinical testing. Allele origin: germline.